The following is an entry in ClinVar:

NM_017433.5(MYO3A):c.409-9_409-5del

Gene: MYO3A (myosin IIIA; plus strand). Cytogenetic location: 10p12.1.
Variant type: Deletion.
Coding change: c.409-9_409-5del on transcript NM_017433.5 (MANE Select); 9 bases into the intron before coding-DNA position 409 through 5 bases into the intron before coding-DNA position 409, 5 bases deleted (ATCTT; older notation c.409-9_409-5delATCTT).
Molecular consequence: intron variant.
Genome position (GRCh38, 1-based): chr10:25,997,150-25,997,154, ATCTT deleted; deleting any 5 consecutive bases within chr10:25,997,146-25,997,154 gives the same sequence; the c. name uses the placement nearest the transcript's 3' end. VCF-style (leftmost placement, unchanged base first): chr10-25997145-TTCTTA-T. GRCh37 (hg19) VCF-style: chr10-26286074-TTCTTA-T.
Other names: c.409-9_409-5del (NM_001368265.1).
Identifiers: ClinVar variation 668395 (VCV000668395.1), dbSNP rs770277459, ClinGen allele CA5444298.

ClinVar aggregate classification (germline): Likely benign (1 of 4 stars; one submission).

Submission:

GeneDx
Classification: Likely benign. Last evaluated: 2018-06-04. Review status: criteria provided, single submitter. Criteria: GeneDx Variant Classification (06012015). Collection method: clinical testing. Allele origin: germline. Affected: yes.
Comment: This variant is considered likely benign or benign based on one or more of the following criteria: it is a conservative change, it occurs at a poorly conserved position in the protein, it is predicted to be benign by multiple in silico algorithms, and/or has population frequency not consistent with disease.